The following is an entry in ClinVar:

ClinVar aggregate classification (germline): Benign/Likely benign. Review status: criteria provided, multiple submitters, no conflicts (2 of 4 stars). 6 submissions from 6 submitters: Benign (1); Likely benign (5). Last evaluated 2025-03-04.

Conditions:
Juvenile polyposis syndrome (JPS). Identifiers: Orphanet 2929, MedGen C0345893, MONDO:0017380, OMIM 174900.
Hereditary cancer-predisposing syndrome. Also called: Tumor predisposition; Neoplastic Syndromes, Hereditary; Hereditary Cancer Syndrome; Hereditary neoplastic syndrome. Identifiers: Orphanet 140162, MedGen C0027672, MeSH D009386, MONDO:0015356.

Submissions (6):

Center for Genomic Medicine, Rigshospitalet, Copenhagen University Hospital
Classification: Likely benign. Last evaluated: 2025-03-04. Review status: criteria provided, single submitter. Criteria: ACMG Guidelines, 2015. Collection method: clinical testing. Allele origin: germline.

Labcorp Genetics (formerly Invitae), Labcorp
Classification: Likely benign for Juvenile polyposis syndrome. Last evaluated: 2025-01-06. Review status: criteria provided, single submitter. Criteria: Invitae Variant Classification Sherloc (09022015). Collection method: clinical testing. Allele origin: germline.

Myriad Genetics, Inc.
Classification: Benign for Juvenile polyposis syndrome. Last evaluated: 2024-08-07. Review status: criteria provided, single submitter. Criteria: Myriad Autosomal Dominant, Autosomal Recessive and X-Linked Classification Criteria (2023). Collection method: clinical testing. Allele origin: unknown.
Comment: This variant is considered benign. This variant is a silent/synonymous amino acid change and it is not expected to impact splicing.

All of Us Research Program, National Institutes of Health
Classification: Likely benign for Juvenile polyposis syndrome. Last evaluated: 2024-08-06. Review status: criteria provided, single submitter. Criteria: ACMG Guidelines, 2015. Collection method: clinical testing. Allele origin: germline. Inheritance: Autosomal dominant inheritance. Observed: 1 variant allele, 1 heterozygote.
Comment: This study involves interpretation of variants in research participants for the purpose of population health screening. Participant phenotype was not available at the time of variant classification. Additional details can be found in publication PMID: 35346344, PMCID: PMC8962531

Ambry Genetics
Classification: Likely benign for Hereditary cancer-predisposing syndrome. Last evaluated: 2017-09-25. Review status: criteria provided, single submitter. Criteria: Ambry Variant Classification Scheme 2023. Collection method: clinical testing. Allele origin: germline.

Color Diagnostics, LLC DBA Color Health
Classification: Likely benign for Hereditary cancer-predisposing syndrome. Last evaluated: 2017-05-29. Review status: criteria provided, single submitter. Criteria: ACMG Guidelines, 2015. Collection method: clinical testing. Allele origin: germline.

NM_004329.3(BMPR1A):c.1293C>T (p.Tyr431=)

Gene: BMPR1A (bone morphogenetic protein receptor type 1A; plus strand). Cytogenetic location: 10q23.2.
Variant type: single nucleotide variant.
Coding change: c.1293C>T on transcript NM_004329.3 (MANE Select); coding-DNA position 1293, C replaced by T.
Protein change: p.Tyr431=; no amino-acid change (tyrosine 431 retained).
Molecular consequence: synonymous variant.
Genome position (GRCh38, 1-based): chr10:86,921,646, C>T. VCF-style: chr10-86921646-C-T. GRCh37 (hg19) VCF-style: chr10-88681403-C-T.
Identifiers: ClinVar variation 490979 (VCV000490979.18), dbSNP rs1554891344, ClinGen allele CA470308407.
Genomic context (GRCh38, chr10:86,921,646, plus strand): 5'-AGTGCTGGACGAAAGCCTGAACAAAAACCACTTCCAGCCCTACATCATGGCTGACATCTA[C>T]AGCTTCGGCCTAATCATTTGGGAGATGGCTCGTCGTTGTATCACAGGAGGTGGGAGTTTG-3'
Protein context (NP_004320.2, residues 421-441): HFQPYIMADI[Tyr431=]SFGLIIWEMA